The following is an entry in ClinVar:

ClinVar aggregate classification (germline): Uncertain significance. Review status: criteria provided, multiple submitters, no conflicts (2 of 4 stars). 2 submissions from 2 submitters: Uncertain significance (2). Last evaluated 2025-11-26.

Conditions:
Inborn genetic diseases. Identifiers: MedGen C0950123, MeSH D030342.
Autism, susceptibility to, 17. Also called: Autism susceptibility 17. Identifiers: MedGen C3150693, MONDO:0013265, OMIM 613436.

Allele frequency attached by ClinVar (database versions not stated): gnomAD exomes 0.00005; gnomAD 0.00008; TOPMed 0.00009; ExAC 0.00015; ESP Exome Variant Server 0.00022.

Submissions (2):

Ambry Genetics
Classification: Uncertain significance for Inborn genetic diseases. Last evaluated: 2025-11-26. Review status: criteria provided, single submitter. Criteria: Ambry Variant Classification Scheme 2023. Collection method: clinical testing. Allele origin: germline.

Juno Genomics, Hangzhou Juno Genomics, Inc
Classification: Uncertain significance for Autism, susceptibility to, 17. Review status: criteria provided, single submitter. Criteria: ACMG Guidelines, 2015. Collection method: clinical testing. Allele origin: germline.
Comment: Absent from controls (or at extremely low frequency if recessive) in Genome Aggregation Database.;Missense variant in a gene that has a low rate of benign missense variation.;Multiple lines of computational evidence suggest no impact on gene or gene product.

NM_012309.5(SHANK2):c.112C>T (p.Arg38Trp)

Gene: SHANK2 (SH3 and multiple ankyrin repeat domains 2; minus strand). Cytogenetic location: 11q13.4.
Variant type: single nucleotide variant.
Coding change: c.112C>T on transcript NM_012309.5 (MANE Select); coding-DNA position 112, C replaced by T.
Protein change: p.Arg38Trp; replaces arginine 38 with tryptophan.
Molecular consequence: missense variant.
Genome position (GRCh38, 1-based): chr11:71,147,215, G>A on the plus strand (C>T on the coding strand, the complement: SHANK2 is on the minus strand). VCF-style: chr11-71147215-G-A. GRCh37 (hg19) VCF-style: chr11-70858261-G-A.
Other names: short protein forms R38W.
Identifiers: ClinVar variation 2229126 (VCV002229126.5), dbSNP rs369954613, ClinGen allele CA6162181.
Genomic context (GRCh38, chr11:71,147,215, plus strand): 5'-CCAGCGTGTTGCCCTGGCTCTCCTCCGTCCTGGCACCGCCCGGCTTCTCCGCAGTGGCCC[G>A]GATCGTGTCATAGATGGTCTCTTCTTTGGAGCTGTCTGACTCCGACCCCACGGAGTAGTC-3'
Protein context (NP_036441.2, residues 28-48): SKEETIYDTI[Arg38Trp]ATAEKPGGAR